The following is an entry in ClinVar:

ClinVar aggregate classification (germline): Uncertain significance. Review status: criteria provided, multiple submitters, no conflicts (2 of 4 stars). 2 submissions from 2 submitters: Uncertain significance (2). Last evaluated 2024-12-08.

Conditions:
Hereditary cancer-predisposing syndrome. Also called: Hereditary neoplastic syndrome; Tumor predisposition; Hereditary Cancer Syndrome; Neoplastic Syndromes, Hereditary. Identifiers: Orphanet 140162, MedGen C0027672, MeSH D009386, MONDO:0015356.

Submissions (2):

Ambry Genetics
Classification: Uncertain significance for Hereditary cancer-predisposing syndrome. Last evaluated: 2024-12-08. Review status: criteria provided, single submitter. Criteria: Ambry Variant Classification Scheme 2023. Collection method: clinical testing. Allele origin: germline.
Comment: The p.T627P variant (also known as c.1879A>C), located in coding exon 12 of the CDH1 gene, results from an A to C substitution at nucleotide position 1879. The threonine at codon 627 is replaced by proline, an amino acid with highly similar properties. This amino acid position is conserved. In addition, this alteration is predicted to be tolerated by in silico analysis. Based on the available evidence, the clinical significance of this variant remains unclear.

Color Diagnostics, LLC DBA Color Health
Classification: Uncertain significance for Hereditary cancer-predisposing syndrome. Last evaluated: 2023-12-05. Review status: criteria provided, single submitter. Criteria: ACMG Guidelines, 2015. Collection method: clinical testing. Allele origin: germline.
Comment: This missense variant replaces threonine with proline at codon 627 of the CDH1 protein. To our knowledge, functional studies have not been reported for this variant. This variant has not been reported in individuals affected with CDH1-related disorders in the literature. This variant has not been identified in the general population by the Genome Aggregation Database (gnomAD). The available evidence is insufficient to determine the role of this variant in disease conclusively. Therefore, this variant is classified as a Variant of Uncertain Significance.

NM_004360.5(CDH1):c.1879A>C (p.Thr627Pro)

Gene: CDH1 (cadherin 1; plus strand). Cytogenetic location: 16q22.1.
Variant type: single nucleotide variant.
Coding change: c.1879A>C on transcript NM_004360.5 (MANE Select); coding-DNA position 1879, A replaced by C.
Protein change: p.Thr627Pro; replaces threonine 627 with proline.
Molecular consequence: missense variant. On other transcripts: 5 prime UTR variant (1).
Genome position (GRCh38, 1-based): chr16:68,822,168, A>C. VCF-style: chr16-68822168-A-C. GRCh37 (hg19) VCF-style: chr16-68856071-A-C.
Other names: c.1696A>C, p.Thr566Pro (NM_001317184.2); c.331A>C, p.Thr111Pro (NM_001317185.2); c.-87A>C (NM_001317186.2); c.1879A>C (NM_004360.3); short protein forms T627P, T566P, T111P.
Identifiers: ClinVar variation 491516 (VCV000491516.7), dbSNP rs1555516886, ClinGen allele CA396467115.